The following is an entry in ClinVar:

ClinVar aggregate classification (germline): Uncertain significance. Review status: criteria provided, multiple submitters, no conflicts (2 of 4 stars). 2 submissions from 2 submitters: Uncertain significance (2). Last evaluated 2025-03-13.

Submissions (2):

Labcorp Genetics (formerly Invitae), Labcorp
Classification: Uncertain significance. Last evaluated: 2025-03-13. Review status: criteria provided, single submitter. Criteria: Invitae Variant Classification Sherloc (09022015). Collection method: clinical testing. Allele origin: germline.
Comment: This sequence change replaces threonine, which is neutral and polar, with alanine, which is neutral and non-polar, at codon 577 of the POLE protein (p.Thr577Ala). This variant is not present in population databases (gnomAD no frequency). This variant has not been reported in the literature in individuals affected with POLE-related conditions. ClinVar contains an entry for this variant (Variation ID: 619897). Invitae Evidence Modeling of protein sequence and biophysical properties (such as structural, functional, and spatial information, amino acid conservation, physicochemical variation, residue mobility, and thermodynamic stability) indicates that this missense variant is not expected to disrupt POLE protein function with a negative predictive value of 80%. In summary, the available evidence is currently insufficient to determine the role of this variant in disease. Therefore, it has been classified as a Variant of Uncertain Significance.

Quest Diagnostics Nichols Institute San Juan Capistrano
Classification: Uncertain significance. Last evaluated: 2018-03-17. Review status: criteria provided, single submitter. Criteria: Quest Diagnostics criteria. Collection method: clinical testing. Allele origin: germline.

NM_006231.4(POLE):c.1729A>G (p.Thr577Ala)

Gene: POLE (DNA polymerase epsilon, catalytic subunit; minus strand). Cytogenetic location: 12q24.33.
Variant type: single nucleotide variant.
Coding change: c.1729A>G on transcript NM_006231.4 (MANE Select); coding-DNA position 1729, A replaced by G.
Protein change: p.Thr577Ala; replaces threonine 577 with alanine.
Molecular consequence: missense variant.
Genome position (GRCh38, 1-based): chr12:132,672,280, T>C on the plus strand (A>G on the coding strand, the complement: POLE is on the minus strand). VCF-style: chr12-132672280-T-C. GRCh37 (hg19) VCF-style: chr12-133248866-T-C.
Other names: short protein forms T577A.
Identifiers: ClinVar variation 619897 (VCV000619897.6), dbSNP rs1565970674, ClinGen allele CA387356341.